The following is an entry in ClinVar:

NM_000551.4(VHL):c.340+696G>A

Genes: VHL (von Hippel-Lindau tumor suppressor; plus strand), LOC107303340 (3p25 von Hippel-Lindau tumor suppressor, E3 ubiquitin protein ligase Alu-mediated recombination region; plus strand). Cytogenetic location: 3p25.3.
Variant type: single nucleotide variant.
Coding change: c.340+696G>A on transcript NM_000551.4 (MANE Select); 696 bases into the intron after coding-DNA position 340, G replaced by A.
Molecular consequence: intron variant. On other transcripts: missense variant (1).
Genome position (GRCh38, 1-based): chr3:10,142,883, G>A. VCF-style: chr3-10142883-G-A. GRCh37 (hg19) VCF-style: chr3-10184567-G-A.
Other names: c.461G>A, p.Arg154Lys (NM_001354723.2); c.340+696G>A (NM_198156.3); short protein forms R154K.
Identifiers: ClinVar variation 1397094 (VCV001397094.5), dbSNP rs1353527753, ClinGen allele CA896160277.

ClinVar aggregate classification (germline): Uncertain significance (1 of 4 stars; one submission).

Conditions:
Chuvash polycythemia. Also called: POLYCYTHEMIA, VHL-DEPENDENT. Identifiers: Orphanet 238557, MedGen C1837915, MONDO:0009892, OMIM 263400.
Von Hippel-Lindau syndrome (VHLS). Also called: VHL syndrome; von Hippel–Lindau syndrome; Von Hippel-Lindau. Identifiers: Orphanet 892, MedGen C0019562, MONDO:0008667, OMIM 193300. Disease mechanism: loss of function.

Submission:

Labcorp Genetics (formerly Invitae), Labcorp
Classification: Uncertain significance for Von Hippel-Lindau syndrome; Chuvash polycythemia. Last evaluated: 2025-11-05. Review status: criteria provided, single submitter. Criteria: Invitae Variant Classification Sherloc (09022015). Collection method: clinical testing. Allele origin: germline.
Comment: This sequence change falls in intron 1 of the VHL gene. It is not expected to change the encoded amino acid sequence of the VHL protein. However, this sequence change falls within a cryptic exon in the VHL gene, known as exon E1’, which is naturally expressed at low levels in several human tissues (PMID: 29891534). This variant is not present in population databases (gnomAD no frequency). This variant has not been reported in the literature in individuals affected with VHL-related conditions. ClinVar contains an entry for this variant (Variation ID: 1397094). Experimental studies and prediction algorithms are not available or were not evaluated, and the functional significance of this variant is currently unknown. Algorithms developed to predict the effect of sequence changes on RNA splicing suggest that this variant is not likely to affect RNA splicing. In summary, the available evidence is currently insufficient to determine the role of this variant in disease. Therefore, it has been classified as a Variant of Uncertain Significance.

Literature cited by the submitters: PubMed 29891534.